The following is an entry in ClinVar:

ClinVar aggregate classification (germline): Uncertain significance (1 of 4 stars; one submission).

Allele frequency attached by ClinVar (database versions not stated): gnomAD exomes below 0.00001 and 0.00001; TOPMed below 0.00001.
gnomAD v4.1: 3 of 1,613,994 alleles (0.00019%); highest among the groups gnomAD compares: Admixed American, 0.005%; no homozygotes.

Submission:

GeneDx
Classification: Uncertain significance. Last evaluated: 2021-09-30. Review status: criteria provided, single submitter. Criteria: GeneDx Variant Classification Process June 2021. Collection method: clinical testing. Allele origin: germline. Affected: yes.
Comment: In silico analysis supports that this missense variant has a deleterious effect on protein structure/function; Has not been previously published as pathogenic or benign to our knowledge

NM_001372076.1(PAX9):c.218G>T (p.Gly73Val)

Gene: PAX9 (paired box 9; plus strand). Cytogenetic location: 14q13.3.
Variant type: single nucleotide variant.
Coding change: c.218G>T on transcript NM_001372076.1 (MANE Select); coding-DNA position 218, G replaced by T.
Protein change: p.Gly73Val; replaces glycine 73 with valine.
Molecular consequence: missense variant.
Genome position (GRCh38, 1-based): chr14:36,663,110, G>T. VCF-style: chr14-36663110-G-T. GRCh37 (hg19) VCF-style: chr14-37132315-G-T.
Other names: c.218G>T, p.Gly73Val (NM_006194.4); short protein forms G73V.
Identifiers: ClinVar variation 1300262 (VCV001300262.2), dbSNP rs1264059790, ClinGen allele CA389466364.